The following is an entry in ClinVar:

ClinVar aggregate classification (germline): Pathogenic (1 of 4 stars; one submission).

Submission:

GeneDx
Classification: Pathogenic. Last evaluated: 2018-02-01. Review status: criteria provided, single submitter. Criteria: GeneDx Variant Classification (06012015). Collection method: clinical testing. Allele origin: germline. Affected: yes.
Comment: The M2509X nonsense variant in the CHD7 gene has been reported previously as a de novo variant in a patient with CHARGE syndrome (Sohn et al., 2016). This pathogenic variant is predicted to cause loss of normal protein function either through protein truncation or nonsense-mediated mRNA decay. The M2509X variant is not observed in large population cohorts (Lek et al., 2016). We consider M2509X to be pathogenic.

NM_017780.4(CHD7):c.7524del (p.Pro2508_Met2509insTer)

Gene: CHD7 (chromodomain helicase DNA binding protein 7; plus strand). Cytogenetic location: 8q12.2.
Variant type: Deletion.
Coding change: c.7524del on transcript NM_017780.4 (MANE Select); coding-DNA position 7524, one base deleted (C; older notation c.7524delC).
Protein change: p.Pro2508_Met2509insTer.
Molecular consequence: frameshift variant. On other transcripts: intron variant (1).
Genome position (GRCh38, 1-based): chr8:60,856,804, C deleted; the last of 3 consecutive C bases (chr8:60,856,802-60,856,804); deleting any one gives the same sequence. VCF-style (leftmost placement, unchanged base first): chr8-60856801-TC-T. GRCh37 (hg19) VCF-style: chr8-61769360-TC-T.
Other names: c.7524del (LRG_176t1); c.1717-5425del (NM_001316690.1).
Identifiers: ClinVar variation 503745 (VCV000503745.2), dbSNP rs1554605128, ClinGen allele CA658797107.